The following is an entry in ClinVar:

ClinVar aggregate classification (germline): Benign/Likely benign. Review status: criteria provided, multiple submitters, no conflicts (2 of 4 stars). 3 submissions from 3 submitters: Benign (1); Likely benign (2). Last evaluated 2026-08-01.

Conditions:
Kleefstra syndrome 1 (KLEFS1). Identifiers: Orphanet 261494, MedGen C0795833, MONDO:0027407, OMIM 610253.

Allele frequency attached by ClinVar (database versions not stated): ExAC 0.00002; gnomAD exomes 0.00003 and 0.00004; ESP Exome Variant Server 0.00008; gnomAD 0.00008 and 0.00009; TOPMed 0.00008.
gnomAD v4.1: 68 of 1,611,986 alleles (0.0042%); highest among the groups gnomAD compares: Non-Finnish European, 0.0054%; no homozygotes.

Submissions (3):

CeGaT Center for Human Genetics Tuebingen
Classification: Likely benign. Last evaluated: 2026-08-01. Review status: criteria provided, single submitter. Criteria: CeGaT Center For Human Genetics Tuebingen Variant Classification Criteria Version 2. Collection method: clinical testing. Allele origin: germline. Affected: yes. Observed: 2 variant alleles.
Comment: EHMT1: BP4, BS1

Labcorp Genetics (formerly Invitae), Labcorp
Classification: Benign for Kleefstra syndrome 1. Last evaluated: 2025-07-21. Review status: criteria provided, single submitter. Criteria: Invitae Variant Classification Sherloc (09022015). Collection method: clinical testing. Allele origin: germline.

GeneDx
Classification: Likely benign. Last evaluated: 2020-05-18. Review status: criteria provided, single submitter. Criteria: GeneDx Variant Classification Process June 2021. Collection method: clinical testing. Allele origin: germline. Affected: yes.

NM_024757.5(EHMT1):c.184G>A (p.Asp62Asn)

Gene: EHMT1 (euchromatic histone lysine methyltransferase 1; plus strand). Cytogenetic location: 9q34.3.
Variant type: single nucleotide variant.
Coding change: c.184G>A on transcript NM_024757.5 (MANE Select); coding-DNA position 184, G replaced by A.
Protein change: p.Asp62Asn; replaces aspartic acid 62 with asparagine.
Molecular consequence: missense variant.
Genome position (GRCh38, 1-based): chr9:137,716,724, G>A. VCF-style: chr9-137716724-G-A. GRCh37 (hg19) VCF-style: chr9-140611176-G-A.
Other names: c.184G>A, p.Asp62Asn (NM_001145527.2, NM_001354263.2, NM_001354611.2); c.91G>A, p.Asp31Asn (NM_001354259.2, NM_001354612.2); short protein forms D62N, D31N.
Identifiers: ClinVar variation 577400 (VCV000577400.47), dbSNP rs112003143, ClinGen allele CA5374204.